The following is an entry in ClinVar:

ClinVar aggregate classification (germline): Uncertain significance. Review status: criteria provided, multiple submitters, no conflicts (2 of 4 stars). 8 submissions from 7 submitters: Uncertain significance (7). 1 of the submissions does not count toward it. Last evaluated 2026-02-02.

Conditions:
USH2A-related disorder. Also called: USH2A-related disorders; USH2A-related condition. Identifiers: MedGen CN239332.
Retinitis pigmentosa (RP). Identifiers: Orphanet 791, MedGen C0035334, MeSH D012174, MONDO:0019200, OMIM 268000. Inheritance: Autosomal dominant, autosomal recessive and X linked inheritance.
Retinitis pigmentosa 39 (RP39). Identifiers: Orphanet 791, MedGen C3151138, MONDO:0013436, OMIM 613809.
Usher syndrome type 2A. Also called: RETINAL DISEASE IN USHER SYNDROME TYPE IIA, MODIFIER OF; USHER SYNDROME, TYPE IIA. Identifiers: Orphanet 231178, Orphanet 886, MedGen C1848634, MONDO:0010169, OMIM 276901.
Retinal dystrophy. Also called: Inherited retinal dystrophy. Identifiers: Orphanet 71862, MedGen C0854723, MeSH D058499, MONDO:0019118, HP:0000556.

Allele frequency attached by ClinVar (database versions not stated): TOPMed 0.00003.
gnomAD v4.1: 21 of 1,613,280 alleles (0.0013%); highest among the groups gnomAD compares: African/African-American, 0.0027%; no homozygotes.

Submissions (8):

PreventionGenetics, part of Exact Sciences
Classification: Uncertain significance for USH2A-related condition. Last evaluated: 2026-02-02. Review status: criteria provided, single submitter. Criteria: ACMG Guidelines, 2015. Collection method: clinical testing. Allele origin: germline.
Comment: The USH2A c.6163G>A variant is predicted to result in the amino acid substitution p.Ala2055Thr. This variant was previously reported in the compound heterozygous state in individuals with retinitis pigmentosa (supplementary data, Hufnagel et al. 2022. PubMed ID: 35266249; supplementary data, Zampaglione et al. 2022. PubMed ID: 34906470). This variant was also described along with one or two other potentially causative variants in patients with retinitis pigmentosa, although segregation studies were not performed (supplementary data, Schlottmann et al. 2023. PubMed ID: 37217489; supplementary data, Weisschuh et al. 2024. PubMed ID: 37734845). This variant is reported in 0.0018% of alleles in individuals of European (Non-Finnish) descent in gnomAD. Although we suspect that this variant could be pathogenic, the clinical significance of this variant is currently classified as uncertain due to the absence of conclusive functional and genetic evidence.

Labcorp Genetics (formerly Invitae), Labcorp
Classification: Uncertain significance. Last evaluated: 2025-12-23. Review status: criteria provided, single submitter. Criteria: Invitae Variant Classification Sherloc (09022015). Collection method: clinical testing. Allele origin: germline.
Comment: This sequence change replaces alanine, which is neutral and non-polar, with threonine, which is neutral and polar, at codon 2055 of the USH2A protein (p.Ala2055Thr). This variant also falls at the last nucleotide of exon 31, which is part of the consensus splice site for this exon. This variant is present in population databases (rs768233523, gnomAD 0.002%). This missense change has been observed in individual(s) with clinical features of USH2A-related disorders and/or inherited retinal dystrophy (PMID: 34906470, 35266249, 37734845). ClinVar contains an entry for this variant (Variation ID: 939338). An algorithm developed to predict the effect of missense changes on protein structure and function (PolyPhen-2) suggests that this variant is likely to be disruptive. Variants that disrupt the consensus splice site are a relatively common cause of aberrant splicing (PMID: 17576681, 9536098). Algorithms developed to predict the effect of sequence changes on RNA splicing suggest that this variant may disrupt the consensus splice site. In summary, the available evidence is currently insufficient to determine the role of this variant in disease. Therefore, it has been classified as a Variant of Uncertain Significance.

Genome-Nilou Lab
Classification: Uncertain significance for Retinitis pigmentosa 39. Last evaluated: 2023-11-04. Review status: criteria provided, single submitter. Criteria: ACMG Guidelines, 2015. Collection method: clinical testing. Allele origin: germline. Affected: no.

Genome-Nilou Lab
Classification: Uncertain significance for Usher syndrome type 2A. Last evaluated: 2023-11-04. Review status: criteria provided, single submitter. Criteria: ACMG Guidelines, 2015. Collection method: clinical testing. Allele origin: germline. Affected: no.

Institute for Clinical Genetics, University Hospital TU Dresden, University Hospital TU Dresden
Classification: Uncertain significance. Last evaluated: 2022-02-15. Review status: criteria provided, single submitter. Criteria: ACMG Guidelines, 2015. Collection method: clinical testing. Allele origin: germline.

Broad Center for Mendelian Genomics, Broad Institute of MIT and Harvard
Classification: Uncertain significance for Retinitis pigmentosa. Last evaluated: 2021-04-01. Review status: criteria provided, single submitter. Criteria: ACMG Guidelines, 2015. Collection method: curation. Allele origin: germline. Inheritance: Autosomal recessive inheritance. Affected: yes.
Comment: Through a review of available evidence we were able to apply the following criteria: PM2, PP3, PM3-P. Based on this evidence we have classified this variant as a Variant of Uncertain Significance. If you have any questions about the classification please reach out to the Pierce Lab.

Institute of Human Genetics, Univ. Regensburg, Univ. Regensburg
Classification: Uncertain significance for Retinal dystrophy. Last evaluated: 2020-01-01. Review status: criteria provided, single submitter. Criteria: ACMG Guidelines, 2015. Collection method: clinical testing. Allele origin: germline. Affected: yes.

Natera, Inc.
Classification: Uncertain significance for Usher syndrome type 2A. Last evaluated: 2020-07-28. Review status: no assertion criteria provided. Collection method: clinical testing. Allele origin: germline. Not counted in ClinVar's aggregate classification.

Literature cited by the submitters: PubMed 34906470 (cited by Labcorp Genetics (formerly Invitae), Labcorp and Broad Center for Mendelian Genomics, Broad Institute of MIT and Harvard); PubMed 35266249 (cited by Labcorp Genetics (formerly Invitae), Labcorp and Institute of Human Genetics, Univ. Regensburg, Univ. Regensburg); PubMed 37734845 (cited by Labcorp Genetics (formerly Invitae), Labcorp); PubMed 17576681 (cited by Labcorp Genetics (formerly Invitae), Labcorp); PubMed 9536098 (cited by Labcorp Genetics (formerly Invitae), Labcorp).

NM_206933.4(USH2A):c.6163G>A (p.Ala2055Thr)

Gene: USH2A (usherin; minus strand). Cytogenetic location: 1q41.
Variant type: single nucleotide variant.
Coding change: c.6163G>A on transcript NM_206933.4 (MANE Select); coding-DNA position 6163, G replaced by A.
Protein change: p.Ala2055Thr; replaces alanine 2055 with threonine.
Molecular consequence: missense variant.
Genome position (GRCh38, 1-based): chr1:216,048,534, C>T on the plus strand (G>A on the coding strand, the complement: USH2A is on the minus strand). VCF-style: chr1-216048534-C-T. GRCh37 (hg19) VCF-style: chr1-216221876-C-T.
Other names: short protein forms A2055T.
Identifiers: ClinVar variation 939338 (VCV000939338.11), dbSNP rs768233523, ClinGen allele CA1395220.